The following is an entry in ClinVar:

NM_000342.4(SLC4A1):c.1120C>A (p.Gln374Lys)

Gene: SLC4A1 (solute carrier family 4 member 1 (Diego blood group); minus strand). Cytogenetic location: 17q21.31.
Variant type: single nucleotide variant.
Coding change: c.1120C>A on transcript NM_000342.4 (MANE Select); coding-DNA position 1120, C replaced by A.
Protein change: p.Gln374Lys; replaces glutamine 374 with lysine.
Molecular consequence: missense variant.
Genome position (GRCh38, 1-based): chr17:44,258,148, G>T on the plus strand (C>A on the coding strand, the complement: SLC4A1 is on the minus strand). VCF-style: chr17-44258148-G-T. GRCh37 (hg19) VCF-style: chr17-42335516-G-T.
Other names: p.Gln374Lys; short protein forms Q374K.
Identifiers: ClinVar variation 4542173 (VCV004542173.1).

ClinVar aggregate classification (germline): Uncertain significance (1 of 4 stars; one submission).

Submission:

Mayo Clinic Laboratories, Mayo Clinic
Classification: Uncertain significance. Last evaluated: 2025-05-25. Review status: criteria provided, single submitter. Criteria: ACMG Guidelines, 2015. Collection method: clinical testing. Allele origin: germline. Observed: 1 variant allele.
Comment: BP4_moderate, PM2_supporting